The following is an entry in ClinVar:

NM_001379029.1(CERT1):c.931-7G>C

Gene: CERT1 (ceramide transporter 1; minus strand). Cytogenetic location: 5q13.3.
Variant type: single nucleotide variant.
Coding change: c.931-7G>C on transcript NM_001379029.1 (MANE Select); 7 bases into the intron before coding-DNA position 931, G replaced by C.
Molecular consequence: intron variant.
Genome position (GRCh38, 1-based): chr5:75,403,065, C>G on the plus strand (G>C on the coding strand, the complement: CERT1 is on the minus strand). VCF-style: chr5-75403065-C-G. GRCh37 (hg19) VCF-style: chr5-74698890-C-G.
Other names: c.931-7G>C (NM_001379003.1, NM_031361.3, NM_001379002.1 and 2 more transcripts); c.1315-7G>C (NM_001130105.1).
Identifiers: ClinVar variation 738145 (VCV000738145.6), dbSNP rs1580721647, ClinGen allele CA915943446.
Genomic context (GRCh38, chr5:75,403,065, plus strand): 5'-AGCTTCAACAGCATCAAAGAACTCTTCTTCATTAATCAGACTGTTAGGGCCTTCCTATTC[C>G]AACACACAGTGGAGAAAAAAGCAGTTTATTTAAAGAAACAGAAAACTCTGATAACTCTGG-3'

ClinVar aggregate classification (germline): Likely benign. Review status: criteria provided, multiple submitters, no conflicts (2 of 4 stars). 2 submissions from 2 submitters: Likely benign (2). Last evaluated 2025-04-30.

Allele frequency attached by ClinVar (database versions not stated): gnomAD exomes below 0.00001; TOPMed below 0.00001; gnomAD 0.00001.
gnomAD v4.1: 5 of 1,594,888 alleles (0.00031%); highest among the groups gnomAD compares: Non-Finnish European, 0.00043%; no homozygotes.

Submissions (2):

Women's Health and Genetics/Laboratory Corporation of America, LabCorp
Classification: Likely benign. Last evaluated: 2025-04-30. Review status: criteria provided, single submitter. Criteria: LabCorp Variant Classification Summary - May 2015. Collection method: clinical testing. Allele origin: germline.
Comment: Variant summary: CERT1 c.1315-7G>C alters a conserved nucleotide located at a position not widely known to affect splicing. Consensus agreement among computation tools predict no significant impact on normal splicing. However, these predictions have yet to be confirmed by functional studies. The variant allele was found at a frequency of 2.8e-06 in 1442850 control chromosomes. The available data on variant occurrences in the general population are insufficient to allow any conclusion about variant significance. To our knowledge, no occurrence of c.1315-7G>C in individuals affected with Intellectual Disability, Autosomal Dominant 34 and no experimental evidence demonstrating its impact on protein function have been reported. ClinVar contains an entry for this variant (Variation ID: 738145). Based on the evidence outlined above, the variant was classified as likely benign.

Labcorp Genetics (formerly Invitae), Labcorp
Classification: Likely benign. Last evaluated: 2018-03-29. Review status: criteria provided, single submitter. Criteria: Invitae Variant Classification Sherloc (09022015). Collection method: clinical testing. Allele origin: germline.